The following is an entry in ClinVar:

NM_001492.6(GDF1):c.-831C>T

Genes: CERS1 (ceramide synthase 1; minus strand), GDF1 (growth differentiation factor 1; minus strand). Cytogenetic location: 19p13.11.
Variant type: single nucleotide variant.
Coding change: c.-831C>T on transcript NM_001492.6 (MANE Select); 831 bases upstream of the start codon, C replaced by T.
Molecular consequence: 5 prime UTR variant. On other transcripts: synonymous variant (10).
Genome position (GRCh38, 1-based): chr19:18,884,185, G>A on the plus strand (C>T on the coding strand, the complement: GDF1 is on the minus strand). VCF-style: chr19-18884185-G-A. GRCh37 (hg19) VCF-style: chr19-18994994-G-A.
Other names: c.198C>T, p.Tyr66= (NM_001290265.2, NM_001387442.1, NM_001387443.1 and 2 more transcripts); c.492C>T, p.Tyr164= (NM_001387439.1, NM_001387440.1, NM_001387441.1 and 2 more transcripts); c.-411C>T (NM_001387438.1).
Identifiers: ClinVar variation 475373 (VCV000475373.43), dbSNP rs45601540, ClinGen allele CA9318253.

ClinVar aggregate classification (germline): Benign. Review status: criteria provided, multiple submitters, no conflicts (2 of 4 stars). 3 submissions from 3 submitters: Benign (3). Last evaluated 2026-04-01.

Conditions:
Progressive myoclonic epilepsy type 8. Identifiers: Orphanet 424027, MedGen C5190825, MONDO:0014545, OMIM 616230.

Allele frequency attached by ClinVar (database versions not stated): 1000 Genomes Project 0.00140; 1000 Genomes Project 30x 0.00187; TOPMed 0.00532; gnomAD exomes 0.00680 and 0.00938; gnomAD 0.00682 and 0.00715; ExAC 0.00685; ESP Exome Variant Server 0.00763.
gnomAD v4.1: 14,602 of 1,613,654 alleles (0.9%); highest among the groups gnomAD compares: Non-Finnish European, 1.1%; 100 homozygotes.

Submissions (3):

CeGaT Center for Human Genetics Tuebingen
Classification: Benign. Last evaluated: 2026-04-01. Review status: criteria provided, single submitter. Criteria: CeGaT Center For Human Genetics Tuebingen Variant Classification Criteria Version 2. Collection method: clinical testing. Allele origin: germline. Affected: yes. Observed: 11 variant alleles.
Comment: CERS1: BP4, BP7, BS1, BS2; GDF1: BS1, BS2

Labcorp Genetics (formerly Invitae), Labcorp
Classification: Benign for Progressive myoclonic epilepsy type 8. Last evaluated: 2026-02-02. Review status: criteria provided, single submitter. Criteria: Invitae Variant Classification Sherloc (09022015). Collection method: clinical testing. Allele origin: germline.

Breakthrough Genomics
Classification: Benign. Review status: criteria provided, single submitter. Criteria: ACMG Guidelines, 2015. Collection method: not provided. Allele origin: germline. Inheritance: Autosomal recessive inheritance. Affected: yes.